The following is an entry in ClinVar:

NM_001197104.2(KMT2A):c.10466C>T (p.Thr3489Met)

Gene: KMT2A (lysine methyltransferase 2A; plus strand). Cytogenetic location: 11q23.3.
Variant type: single nucleotide variant.
Coding change: c.10466C>T on transcript NM_001197104.2 (MANE Select); coding-DNA position 10466, C replaced by T.
Protein change: p.Thr3489Met; replaces threonine 3489 with methionine.
Molecular consequence: missense variant.
Genome position (GRCh38, 1-based): chr11:118,506,358, C>T. VCF-style: chr11-118506358-C-T. GRCh37 (hg19) VCF-style: chr11-118377073-C-T.
Other names: c.10556C>T, p.Thr3519Met (NM_001412597.1); c.10457C>T, p.Thr3486Met (NM_005933.4); short protein forms T3486M, T3519M, T3489M.
Identifiers: ClinVar variation 2880068 (VCV002880068.3), dbSNP rs376937581, ClinGen allele CA6304751.

ClinVar aggregate classification (germline): Uncertain significance (1 of 4 stars; one submission).

Allele frequency attached by ClinVar (database versions not stated): gnomAD 0.00001; gnomAD exomes 0.00001; ExAC 0.00002; TOPMed 0.00002; ESP Exome Variant Server 0.00008.
gnomAD v4.1: 19 of 1,614,032 alleles (0.0012%); highest among the groups gnomAD compares: South Asian, 0.0022%; no homozygotes.

Submission:

Labcorp Genetics (formerly Invitae), Labcorp
Classification: Uncertain significance. Last evaluated: 2024-11-05. Review status: criteria provided, single submitter. Criteria: Invitae Variant Classification Sherloc (09022015). Collection method: clinical testing. Allele origin: germline.
Comment: This sequence change replaces threonine, which is neutral and polar, with methionine, which is neutral and non-polar, at codon 3489 of the KMT2A protein (p.Thr3489Met). This variant is present in population databases (rs376937581, gnomAD 0.007%). This variant has not been reported in the literature in individuals affected with KMT2A-related conditions. ClinVar contains an entry for this variant (Variation ID: 2880068). Invitae Evidence Modeling of protein sequence and biophysical properties (such as structural, functional, and spatial information, amino acid conservation, physicochemical variation, residue mobility, and thermodynamic stability) indicates that this missense variant is not expected to disrupt KMT2A protein function with a negative predictive value of 95%. In summary, the available evidence is currently insufficient to determine the role of this variant in disease. Therefore, it has been classified as a Variant of Uncertain Significance.